The following is an entry in ClinVar:

NM_024747.6(HPS6):c.669G>T (p.Lys223Asn)

Gene: HPS6 (HPS6 biogenesis of lysosomal organelles complex 2 subunit 3; plus strand). Cytogenetic location: 10q24.32.
Variant type: single nucleotide variant.
Coding change: c.669G>T on transcript NM_024747.6 (MANE Select); coding-DNA position 669, G replaced by T.
Protein change: p.Lys223Asn; replaces lysine 223 with asparagine.
Molecular consequence: missense variant.
Genome position (GRCh38, 1-based): chr10:102,066,143, G>T. VCF-style: chr10-102066143-G-T. GRCh37 (hg19) VCF-style: chr10-103825900-G-T.
Other names: short protein forms K223N.
Identifiers: ClinVar variation 2155999 (VCV002155999.2), dbSNP rs757411008, ClinGen allele CA5659825.
Genomic context (GRCh38, chr10:102,066,143, plus strand): 5'-GCCCACTGCCACCACCTGGCCTGGCGTGGCCCACGTTCTACTCATCTGGAGCCCAGGCAA[G>T]GGCAAAGTGATGGTGGCTGCCCCACGGCTTGGTCTCTCCTACAGTAAGAGTCTGAATCCT-3'
Protein context (NP_079023.2, residues 213-233): AHVLLIWSPG[Lys223Asn]GKVMVAAPRL

ClinVar aggregate classification (germline): Uncertain significance. Review status: criteria provided, multiple submitters, no conflicts (2 of 4 stars). 2 submissions from 2 submitters: Uncertain significance (2). Last evaluated 2025-05-13.

Conditions:
Inborn genetic diseases. Identifiers: MedGen C0950123, MeSH D030342.

Allele frequency attached by ClinVar (database versions not stated): ExAC 0.00001; TOPMed 0.00002; gnomAD 0.00001.

Submissions (2):

Ambry Genetics
Classification: Uncertain significance for Inborn genetic diseases. Last evaluated: 2025-05-13. Review status: criteria provided, single submitter. Criteria: Ambry Variant Classification Scheme 2023. Collection method: clinical testing. Allele origin: germline.

Labcorp Genetics (formerly Invitae), Labcorp
Classification: Uncertain significance. Last evaluated: 2022-06-26. Review status: criteria provided, single submitter. Criteria: Invitae Variant Classification Sherloc (09022015). Collection method: clinical testing. Allele origin: germline.
Comment: This sequence change replaces lysine, which is basic and polar, with asparagine, which is neutral and polar, at codon 223 of the HPS6 protein (p.Lys223Asn). This variant is present in population databases (rs757411008, gnomAD 0.006%). This variant has not been reported in the literature in individuals affected with HPS6-related conditions. Algorithms developed to predict the effect of missense changes on protein structure and function (SIFT, PolyPhen-2, Align-GVGD) all suggest that this variant is likely to be tolerated. In summary, the available evidence is currently insufficient to determine the role of this variant in disease. Therefore, it has been classified as a Variant of Uncertain Significance.